The following is an entry in ClinVar:

NM_002617.4(PEX10):c.387del (p.Ser130fs)

Gene: PEX10 (peroxisomal biogenesis factor 10; minus strand). Cytogenetic location: 1p36.32.
Variant type: Deletion.
Coding change: c.387del on transcript NM_002617.4 (MANE Select); coding-DNA position 387, one base deleted (G; older notation c.387delG).
Protein change: p.Ser130fs; shifts the reading frame from serine 130.
Molecular consequence: frameshift variant. On other transcripts: 5 prime UTR variant (2), non-coding transcript variant (1).
Genome position (GRCh38, 1-based): chr1:2,408,665, C deleted on the plus strand (G on the coding strand, the reverse complement: PEX10 is on the minus strand); the first of 4 consecutive C bases (chr1:2,408,665-2,408,668); deleting any one gives the same sequence. VCF-style (leftmost placement, unchanged base first): chr1-2408664-TC-T. GRCh37 (hg19) VCF-style: chr1-2340103-TC-T.
Other names: c.387del, p.Ser130fs (NM_001374425.1, NM_153818.2); c.-46del (NM_001374426.1, NM_001374427.1); short protein forms S130fs.
Identifiers: ClinVar variation 1071782 (VCV001071782.4), dbSNP rs2100429148, ClinGen allele CA2499214622.

ClinVar aggregate classification (germline): Pathogenic (1 of 4 stars; one submission).

Conditions:
Peroxisome biogenesis disorder, complementation group 7 (CG7). Also called: Peroxisome biogenesis disorder, complementation group B. Identifiers: MedGen C1864399.

Submission:

Labcorp Genetics (formerly Invitae), Labcorp
Classification: Pathogenic for Peroxisome biogenesis disorder, complementation group 7. Last evaluated: 2022-06-27. Review status: criteria provided, single submitter. Criteria: Invitae Variant Classification Sherloc (09022015). Collection method: clinical testing. Allele origin: germline.
Comment: For these reasons, this variant has been classified as Pathogenic. ClinVar contains an entry for this variant (Variation ID: 1071782). This variant has not been reported in the literature in individuals affected with PEX10-related conditions. This variant is not present in population databases (gnomAD no frequency). This sequence change creates a premature translational stop signal (p.Ser130Alafs*23) in the PEX10 gene. It is expected to result in an absent or disrupted protein product. Loss-of-function variants in PEX10 are known to be pathogenic (PMID: 9683594, 10862081, 21031596).

Literature cited by the submitters: PubMed 9683594; PubMed 10862081; PubMed 21031596.